The following is an entry in ClinVar:

NM_130384.3(ATRIP):c.4G>C (p.Ala2Pro)

Genes: ATRIP (ATR interacting protein; plus strand), ATRIP-TREX1 (ATRIP-TREX1 readthrough; plus strand), LOC129936703 (ATAC-STARR-seq lymphoblastoid silent region 14331; plus strand). Cytogenetic location: 3p21.31.
Variant type: single nucleotide variant.
Coding change: c.4G>C on transcript NM_130384.3 (MANE Select); coding-DNA position 4, G replaced by C.
Protein change: p.Ala2Pro; replaces alanine 2 with proline.
Molecular consequence: missense variant. On other transcripts: non-coding transcript variant (1), intron variant (1).
Genome position (GRCh38, 1-based): chr3:48,446,849, G>C. VCF-style: chr3-48446849-G-C. GRCh37 (hg19) VCF-style: chr3-48488253-G-C.
Other names: c.4G>C, p.Ala2Pro (NM_032166.4); c.-218+50G>C (NM_001271022.2); short protein forms A2P.
Identifiers: ClinVar variation 4644599 (VCV004644599.1).

ClinVar aggregate classification (germline): Uncertain significance (1 of 4 stars; one submission).

Submission:

Ambry Genetics
Classification: Uncertain significance. Last evaluated: 2025-12-01. Review status: criteria provided, single submitter. Criteria: Ambry Variant Classification Scheme 2023. Collection method: clinical testing. Allele origin: germline.
Comment: The p.A2P variant (also known as c.4G>C), located in coding exon 1 of the ATRIP gene, results from a G to C substitution at nucleotide position 4. The alanine at codon 2 is replaced by proline, an amino acid with highly similar properties. This amino acid position is conserved. In addition, the in silico prediction for this alteration is inconclusive. Based on the available evidence, the clinical significance of this variant remains unclear.